The following is an entry in ClinVar:

NM_015378.4(VPS13D):c.5887C>T (p.His1963Tyr)

Gene: VPS13D (vacuolar protein sorting 13 homolog D; plus strand). Cytogenetic location: 1p36.22.
Variant type: single nucleotide variant.
Coding change: c.5887C>T on transcript NM_015378.4 (MANE Select); coding-DNA position 5887, C replaced by T.
Protein change: p.His1963Tyr; replaces histidine 1963 with tyrosine.
Molecular consequence: missense variant.
Genome position (GRCh38, 1-based): chr1:12,293,558, C>T. VCF-style: chr1-12293558-C-T. GRCh37 (hg19) VCF-style: chr1-12353615-C-T.
Other names: c.5887C>T, p.His1963Tyr (NM_018156.4); short protein forms H1963Y.
Identifiers: ClinVar variation 2074107 (VCV002074107.4), dbSNP rs776425512, ClinGen allele CA602456.

ClinVar aggregate classification (germline): Uncertain significance (1 of 4 stars; one submission).

gnomAD v4.1: 64 of 1,613,718 alleles (0.004%); highest among the groups gnomAD compares: South Asian, 0.049%; no homozygotes.

Submission:

Labcorp Genetics (formerly Invitae), Labcorp
Classification: Uncertain significance. Last evaluated: 2025-09-02. Review status: criteria provided, single submitter. Criteria: Invitae Variant Classification Sherloc (09022015). Collection method: clinical testing. Allele origin: germline.
Comment: This sequence change replaces histidine, which is basic and polar, with tyrosine, which is neutral and polar, at codon 1963 of the VPS13D protein (p.His1963Tyr). This variant is present in population databases (rs776425512, gnomAD 0.07%). This variant has not been reported in the literature in individuals affected with VPS13D-related conditions. ClinVar contains an entry for this variant (Variation ID: 2074107). Invitae Evidence Modeling of protein sequence and biophysical properties (such as structural, functional, and spatial information, amino acid conservation, physicochemical variation, residue mobility, and thermodynamic stability) indicates that this missense variant is not expected to disrupt VPS13D protein function with a negative predictive value of 80%. In summary, the available evidence is currently insufficient to determine the role of this variant in disease. Therefore, it has been classified as a Variant of Uncertain Significance.